The following is an entry in ClinVar:

NM_001136193.2(FASTKD2):c.1628T>C (p.Leu543Ser)

Gene: FASTKD2 (FAST kinase domains 2; plus strand). Cytogenetic location: 2q33.3.
Variant type: single nucleotide variant.
Coding change: c.1628T>C on transcript NM_001136193.2 (MANE Select); coding-DNA position 1628, T replaced by C.
Protein change: p.Leu543Ser; replaces leucine 543 with serine.
Molecular consequence: missense variant.
Genome position (GRCh38, 1-based): chr2:206,787,970, T>C. VCF-style: chr2-206787970-T-C. GRCh37 (hg19) VCF-style: chr2-207652694-T-C.
Other names: c.1628T>C (NM_014929.3); c.1628T>C, p.Leu543Ser (NM_001136194.2, NM_014929.4); short protein forms L543S.
Identifiers: ClinVar variation 1928376 (VCV001928376.7), dbSNP rs917017985, ClinGen allele CA63727451.

ClinVar aggregate classification (germline): Uncertain significance. Review status: criteria provided, multiple submitters, no conflicts (2 of 4 stars). 3 submissions from 3 submitters: Uncertain significance (3). Last evaluated 2024-05-20.

Conditions:
Combined oxidative phosphorylation deficiency 44. Also called: FASTKD2-Related Combined Oxidative Phosphorylation Deficiency. Identifiers: MedGen C5394293, MONDO:0030020, OMIM 618855.
Inborn genetic diseases. Identifiers: MedGen C0950123, MeSH D030342.

Allele frequency attached by ClinVar (database versions not stated): gnomAD exomes below 0.00001; TOPMed 0.00001.
gnomAD v4.1: 6 of 1,612,564 alleles (0.00037%); highest among the groups gnomAD compares: Non-Finnish European, 0.00051%; no homozygotes.

Submissions (3):

Ambry Genetics
Classification: Uncertain significance for Inborn genetic diseases. Last evaluated: 2024-05-20. Review status: criteria provided, single submitter. Criteria: Ambry Variant Classification Scheme 2023. Collection method: clinical testing. Allele origin: germline.

Fulgent Genetics
Classification: Uncertain significance for Combined oxidative phosphorylation deficiency 44. Last evaluated: 2024-05-16. Review status: criteria provided, single submitter. Criteria: ACMG Guidelines, 2015. Collection method: clinical testing. Allele origin: germline.

Labcorp Genetics (formerly Invitae), Labcorp
Classification: Uncertain significance. Last evaluated: 2022-05-03. Review status: criteria provided, single submitter. Criteria: Invitae Variant Classification Sherloc (09022015). Collection method: clinical testing. Allele origin: germline.
Comment: In summary, the available evidence is currently insufficient to determine the role of this variant in disease. Therefore, it has been classified as a Variant of Uncertain Significance. Algorithms developed to predict the effect of missense changes on protein structure and function are either unavailable or do not agree on the potential impact of this missense change (SIFT: "Deleterious"; PolyPhen-2: "Probably Damaging"; Align-GVGD: "Class C0"). This variant has not been reported in the literature in individuals affected with FASTKD2-related conditions. This variant is present in population databases (no rsID available, gnomAD 0.002%). This sequence change replaces leucine, which is neutral and non-polar, with serine, which is neutral and polar, at codon 543 of the FASTKD2 protein (p.Leu543Ser).